The following is an entry in ClinVar:

NM_182919.4(TICAM1):c.183A>G (p.Leu61=)

Gene: TICAM1 (TIR domain containing adaptor molecule 1; minus strand). Cytogenetic location: 19p13.3.
Variant type: single nucleotide variant.
Coding change: c.183A>G on transcript NM_182919.4 (MANE Select); coding-DNA position 183, A replaced by G.
Protein change: p.Leu61=; no amino-acid change (leucine 61 retained).
Molecular consequence: synonymous variant. On other transcripts: intron variant (1).
Genome position (GRCh38, 1-based): chr19:4,818,195, T>C on the plus strand (A>G on the coding strand, the complement: TICAM1 is on the minus strand). VCF-style: chr19-4818195-T-C. GRCh37 (hg19) VCF-style: chr19-4818207-T-C.
Other names: c.141A>G, p.Leu47= (NM_001385678.1); c.48A>G, p.Leu16= (NM_001385679.1); c.-72+189A>G (NM_001385680.1).
Identifiers: ClinVar variation 752546 (VCV000752546.14), dbSNP rs139810575, ClinGen allele CA9105411.

ClinVar aggregate classification (germline): Likely benign. Review status: criteria provided, multiple submitters, no conflicts (2 of 4 stars). 3 submissions from 3 submitters: Likely benign (2). 1 of the submissions does not count toward it. Last evaluated 2025-10-31.

Conditions:
TICAM1-related disorder. Also called: TICAM1-related condition.
Encephalopathy, acute, infection-induced (herpes-specific), susceptibility to, 6. Also called: Herpes simplex encephalitis, susceptibility to, 4. Identifiers: Orphanet 1930, MedGen C3553869, MONDO:0013921, OMIM 614850.

Allele frequency attached by ClinVar (database versions not stated): TOPMed 0.00031; gnomAD 0.00031; 1000 Genomes Project 30x 0.00078; ExAC 0.00005; gnomAD exomes 0.00009 and 0.00003; ESP Exome Variant Server 0.00031; 1000 Genomes Project 0.00100.
gnomAD v4.1: 98 of 1,612,444 alleles (0.0061%); highest among the groups gnomAD compares: African/African-American, 0.11%; no homozygotes.

Submissions (3):

Labcorp Genetics (formerly Invitae), Labcorp
Classification: Likely benign for Encephalopathy, acute, infection-induced (herpes-specific), susceptibility to, 6. Last evaluated: 2025-10-31. Review status: criteria provided, single submitter. Criteria: Invitae Variant Classification Sherloc (09022015). Collection method: clinical testing. Allele origin: germline.

Blueprint Genetics
Classification: Likely benign. Last evaluated: 2024-04-05. Review status: criteria provided, single submitter. Criteria: ACMG Guidelines, 2015. Collection method: clinical testing. Allele origin: germline.

PreventionGenetics, part of Exact Sciences
Classification: Likely benign for TICAM1-related condition. Last evaluated: 2024-01-04. Review status: no assertion criteria provided. Collection method: clinical testing. Allele origin: germline. Not counted in ClinVar's aggregate classification.
Comment: This variant is classified as likely benign based on ACMG/AMP sequence variant interpretation guidelines (Richards et al. 2015 PMID: 25741868, with internal and published modifications).